The following is an entry in ClinVar:

NM_145059.3(FCSK):c.1712G>T (p.Arg571Leu)

Gene: FCSK (fucose kinase; plus strand). Cytogenetic location: 16q22.1.
Variant type: single nucleotide variant.
Coding change: c.1712G>T on transcript NM_145059.3 (MANE Select); coding-DNA position 1712, G replaced by T.
Protein change: p.Arg571Leu; replaces arginine 571 with leucine.
Molecular consequence: missense variant.
Genome position (GRCh38, 1-based): chr16:70,473,288, G>T. VCF-style: chr16-70473288-G-T. GRCh37 (hg19) VCF-style: chr16-70507191-G-T.
Other names: short protein forms R571L.
Identifiers: ClinVar variation 4773963 (VCV004773963.1).

ClinVar aggregate classification (germline): Uncertain significance (1 of 4 stars; one submission).

Submission:

Labcorp Genetics (formerly Invitae), Labcorp
Classification: Uncertain significance. Last evaluated: 2025-04-09. Review status: criteria provided, single submitter. Criteria: Invitae Variant Classification Sherloc (09022015). Collection method: clinical testing. Allele origin: germline.
Comment: This sequence change replaces arginine, which is basic and polar, with leucine, which is neutral and non-polar, at codon 571 of the FUK protein (p.Arg571Leu). The frequency data for this variant in the population databases is considered unreliable, as metrics indicate poor data quality at this position in the gnomAD database. This variant has not been reported in the literature in individuals affected with FUK-related conditions. An algorithm developed to predict the effect of missense changes on protein structure and function outputs the following: PolyPhen-2: "Benign". The leucine amino acid residue is found in multiple mammalian species, which suggests that this missense change does not adversely affect protein function. In summary, the available evidence is currently insufficient to determine the role of this variant in disease. Therefore, it has been classified as a Variant of Uncertain Significance.